The following is an entry in ClinVar:

ClinVar aggregate classification (germline): Uncertain significance. Review status: criteria provided, multiple submitters, no conflicts (2 of 4 stars). 3 submissions from 3 submitters: Uncertain significance (3). Last evaluated 2025-11-19.

Conditions:
Inborn genetic diseases. Identifiers: MedGen C0950123, MeSH D030342.

Submissions (3):

Ambry Genetics
Classification: Uncertain significance for Inborn genetic diseases. Last evaluated: 2025-11-19. Review status: criteria provided, single submitter. Criteria: Ambry Variant Classification Scheme 2023. Collection method: clinical testing. Allele origin: germline.

Labcorp Genetics (formerly Invitae), Labcorp
Classification: Uncertain significance. Last evaluated: 2024-10-02. Review status: criteria provided, single submitter. Criteria: Invitae Variant Classification Sherloc (09022015). Collection method: clinical testing. Allele origin: germline.
Comment: This sequence change replaces arginine, which is basic and polar, with cysteine, which is neutral and slightly polar, at codon 599 of the CNNM4 protein (p.Arg599Cys). This variant is present in population databases (no rsID available, gnomAD 0.003%). This variant has not been reported in the literature in individuals affected with CNNM4-related conditions. Invitae Evidence Modeling of protein sequence and biophysical properties (such as structural, functional, and spatial information, amino acid conservation, physicochemical variation, residue mobility, and thermodynamic stability) indicates that this missense variant is not expected to disrupt CNNM4 protein function with a negative predictive value of 80%. In summary, the available evidence is currently insufficient to determine the role of this variant in disease. Therefore, it has been classified as a Variant of Uncertain Significance.

Blueprint Genetics
Classification: Uncertain significance. Last evaluated: 2022-06-29. Review status: criteria provided, single submitter. Criteria: ACMG Guidelines, 2015. Collection method: clinical testing. Allele origin: germline.

NM_020184.4(CNNM4):c.1795C>T (p.Arg599Cys)

Gene: CNNM4 (cyclin and CBS domain divalent metal cation transport mediator 4; plus strand). Cytogenetic location: 2q11.2.
Variant type: single nucleotide variant.
Coding change: c.1795C>T on transcript NM_020184.4 (MANE Select); coding-DNA position 1795, C replaced by T.
Protein change: p.Arg599Cys; replaces arginine 599 with cysteine.
Molecular consequence: missense variant.
Genome position (GRCh38, 1-based): chr2:96,799,170, C>T. VCF-style: chr2-96799170-C-T. GRCh37 (hg19) VCF-style: chr2-97464907-C-T.
Other names: c.1795C>T (NM_020184.3); short protein forms R599C.
Identifiers: ClinVar variation 3626483 (VCV003626483.4).